The following is an entry in ClinVar:

ClinVar aggregate classification (germline): Likely benign. Review status: criteria provided, multiple submitters, no conflicts (2 of 4 stars). 2 submissions from 2 submitters: Likely benign (2). Last evaluated 2026-06-01.

Conditions:
Developmental and epileptic encephalopathy, 42 (DEE42A). Also called: Epileptic encephalopathy, early infantile, 42; DEVELOPMENTAL AND EPILEPTIC ENCEPHALOPATHY 42A; EPILEPTIC ENCEPHALOPATHY, EARLY INFANTILE, 42A. Identifiers: MedGen C4310716, MONDO:0014917, OMIM 617106.
Episodic ataxia type 2 (EA2). Also called: ATAXIA, EPISODIC, WITH NYSTAGMUS; ATAXIA, FAMILIAL PAROXYSMAL; CEREBELLAR ATAXIA, PAROXYSMAL, ACETAZOLAMIDE-RESPONSIVE; CEREBELLOPATHY, HEREDITARY PAROXYSMAL; EPISODIC ATAXIA, NYSTAGMUS-ASSOCIATED; ACETAZOLAMIDE-RESPONSIVE HEREDITARY PAROXYSMAL CEREBELLAR ATAXIA. Identifiers: Orphanet 97, MedGen C1720416, MONDO:0007163, OMIM 108500.

Allele frequency attached by ClinVar (database versions not stated): TOPMed below 0.00001; gnomAD 0.00001; gnomAD exomes 0.00001 and 0.00002.
gnomAD v4.1: 16 of 1,400,588 alleles (0.0011%); highest among the groups gnomAD compares: South Asian, 0.0034%; no homozygotes.

Submissions (2):

CeGaT Center for Human Genetics Tuebingen
Classification: Likely benign. Last evaluated: 2026-06-01. Review status: criteria provided, single submitter. Criteria: CeGaT Center For Human Genetics Tuebingen Variant Classification Criteria Version 2. Collection method: clinical testing. Allele origin: germline. Affected: yes. Observed: 1 variant allele.
Comment: CACNA1A: BP4, BP7

Labcorp Genetics (formerly Invitae), Labcorp
Classification: Likely benign for Developmental and epileptic encephalopathy, 42; Episodic ataxia type 2. Last evaluated: 2025-10-10. Review status: criteria provided, single submitter. Criteria: Invitae Variant Classification Sherloc (09022015). Collection method: clinical testing. Allele origin: germline.

NM_001127222.2(CACNA1A):c.6513C>T (p.Thr2171=)

Gene: CACNA1A (calcium voltage-gated channel subunit alpha1 A; minus strand). Cytogenetic location: 19p13.13.
Variant type: single nucleotide variant.
Coding change: c.6513C>T on transcript NM_001127222.2 (MANE Select); coding-DNA position 6513, C replaced by T.
Protein change: p.Thr2171=; no amino-acid change (threonine 2171 retained).
Molecular consequence: synonymous variant.
Genome position (GRCh38, 1-based): chr19:13,209,325, G>A on the plus strand (C>T on the coding strand, the complement: CACNA1A is on the minus strand). VCF-style: chr19-13209325-G-A. GRCh37 (hg19) VCF-style: chr19-13320139-G-A.
Other names: c.6531C>T, p.Thr2177= (NM_000068.4, NM_023035.3); c.6516C>T, p.Thr2172= (NM_001127221.2); c.6522C>T, p.Thr2174= (NM_001174080.2).
Identifiers: ClinVar variation 1138202 (VCV001138202.11), dbSNP rs756597852, ClinGen allele CA9239340.